The following is an entry in ClinVar:

ClinVar aggregate classification (germline): Likely pathogenic. Review status: criteria provided, multiple submitters, no conflicts (2 of 4 stars). 2 submissions from 2 submitters: Likely pathogenic (2). Last evaluated 2025-02-27.

Conditions:
Glutaric acidemia type 2C.
Multiple acyl-CoA dehydrogenase deficiency (MADD). Also called: ETHYLMALONIC-ADIPICACIDURIA; GA II; Glutaric Acidemia type 2; Glutaric aciduria, type 2; Glutaric acidemia type II; GA 2. Identifiers: Orphanet 26791, MedGen C0268596, MONDO:0009282, OMIM 231680.

Allele frequency attached by ClinVar (database versions not stated): gnomAD exomes below 0.00001; ExAC 0.00001.

Submissions (2):

Natera, Inc.
Classification: Likely pathogenic for Glutaric acidemia type 2C. Last evaluated: 2025-02-27. Review status: criteria provided, single submitter. Criteria: Natera Variant Classification Schema (03/2026). Collection method: clinical testing. Allele origin: germline.
Comment: The c.998A>G variant in ETFDH is a missense variant predicted to cause substitution of tyrosine to cysteine at amino acid 333. This variant is rare in the general population with a frequency below the threshold expected for the associated phenotype(s). This variant has been observed in one or more individuals affected with the associated recessive disease, as either homozygous or compound heterozygous with a second variant (PMID: 33589341, 21347544, 38951975). Computational prediction algorithms indicate this variant is likely to affect gene or protein function. Given the available evidence, this variant is classified as Likely Pathogenic.

Baylor Genetics
Classification: Likely pathogenic for Multiple acyl-CoA dehydrogenase deficiency. Last evaluated: 2024-03-12. Review status: criteria provided, single submitter. Criteria: ACMG Guidelines, 2015. Collection method: clinical testing. Allele origin: unknown.

Literature cited by the submitters: PubMed 33589341 (cited by Natera, Inc.); PubMed 21347544 (cited by Natera, Inc.); PubMed 38951975 (cited by Natera, Inc.).

NM_004453.4(ETFDH):c.998A>G (p.Tyr333Cys)

Gene: ETFDH (electron transfer flavoprotein dehydrogenase; plus strand). Cytogenetic location: 4q32.1.
Variant type: single nucleotide variant.
Coding change: c.998A>G on transcript NM_004453.4 (MANE Select); coding-DNA position 998, A replaced by G.
Protein change: p.Tyr333Cys; replaces tyrosine 333 with cysteine.
Molecular consequence: missense variant.
Genome position (GRCh38, 1-based): chr4:158,699,012, A>G. VCF-style: chr4-158699012-A-G. GRCh37 (hg19) VCF-style: chr4-159620164-A-G.
Other names: c.857A>G, p.Tyr286Cys (NM_001281737.2); c.815A>G, p.Tyr272Cys (NM_001281738.1); c.998A>G (NM_004453.3); short protein forms Y272C, Y286C, Y333C.
Identifiers: ClinVar variation 2675110 (VCV002675110.3), dbSNP rs781531865, ClinGen allele CA3122534.